The following is an entry in ClinVar:

NM_000719.7(CACNA1C):c.1481+621C>T

Gene: CACNA1C (calcium voltage-gated channel subunit alpha1 C; plus strand). Cytogenetic location: 12p13.33.
Variant type: single nucleotide variant.
Coding change: c.1481+621C>T on transcript NM_000719.7 (MANE Select); 621 bases into the intron after coding-DNA position 1481, C replaced by T.
Molecular consequence: intron variant.
Genome position (GRCh38, 1-based): chr12:2,550,654, C>T. VCF-style: chr12-2550654-C-T. GRCh37 (hg19) VCF-style: chr12-2659820-C-T.
Other names: c.1481+621C>T (NM_001167624.3, NM_001167623.2, NM_001167625.2 and 18 more transcripts); c.1472+621C>T (NM_001129844.2).
Identifiers: ClinVar variation 191421 (VCV000191421.1), dbSNP rs200329394, ClinGen allele CA236596.

ClinVar aggregate classification (germline): Uncertain significance (1 of 4 stars; one submission).

Allele frequency attached by ClinVar (database versions not stated): gnomAD exomes below 0.00001.
gnomAD v4.1: 4 of 1,349,098 alleles (0.0003%); highest among the groups gnomAD compares: South Asian, 0.0046%; no homozygotes.

Submission:

Biesecker Lab/Clinical Genomics Section, National Institutes of Health
Classification: Uncertain significance. Last evaluated: 2013-06-24. Review status: criteria provided, single submitter. Criteria: Ng et al. (Circ Cardiovasc Genet. 2013). Collection method: research. Allele origin: unknown. Observed: 1 variant allele. Study: ClinSeq.
Comment: The study set was not selected for affection status in relation to any cancer. Pathogenicity categories were based on literature curation. See Pubmed ID:23861362 for details.

Medical sequencing